The following is an entry in ClinVar:

NM_025193.4(HSD3B7):c.728G>T (p.Arg243Leu)

Gene: HSD3B7 (hydroxy-delta-5-steroid dehydrogenase, 3 beta- and steroid delta-isomerase 7; plus strand). Cytogenetic location: 16p11.2.
Variant type: single nucleotide variant.
Coding change: c.728G>T on transcript NM_025193.4 (MANE Select); coding-DNA position 728, G replaced by T.
Protein change: p.Arg243Leu; replaces arginine 243 with leucine.
Molecular consequence: missense variant.
Genome position (GRCh38, 1-based): chr16:30,987,801, G>T. VCF-style: chr16-30987801-G-T. GRCh37 (hg19) VCF-style: chr16-30999122-G-T.
Other names: c.565G>T, p.Gly189Trp (NM_001142777.2, NM_001142778.2); short protein forms G189W, R243L.
Identifiers: ClinVar variation 3349091 (VCV003349091.2).

ClinVar aggregate classification (germline): Uncertain significance. Review status: criteria provided, single submitter (1 of 4 stars). 2 submissions from 2 submitters: Uncertain significance (1). 1 of the submissions does not count toward it. Last evaluated 2025-02-21.

Conditions:
Inborn genetic diseases. Identifiers: MedGen C0950123, MeSH D030342.
HSD3B7-related disorder. Also called: HSD3B7-related condition.

gnomAD v4.1: 2 of 1,612,952 alleles (0.00012%); highest among the groups gnomAD compares: South Asian, 0.0022%; no homozygotes.

Submissions (2):

Ambry Genetics
Classification: Uncertain significance for Inborn genetic diseases. Last evaluated: 2025-02-21. Review status: criteria provided, single submitter. Criteria: Ambry Variant Classification Scheme 2023. Collection method: clinical testing. Allele origin: germline.

PreventionGenetics, part of Exact Sciences
Classification: Uncertain significance for HSD3B7-related condition. Last evaluated: 2024-05-10. Review status: no assertion criteria provided. Collection method: clinical testing. Allele origin: germline. Not counted in ClinVar's aggregate classification.
Comment: The HSD3B7 c.728G>T variant is predicted to result in the amino acid substitution p.Arg243Leu. To our knowledge, this variant has not been reported in the literature. This variant is reported in 0.010% of alleles in individuals of Ashkenazi Jewish descent in gnomAD. At this time, the clinical significance of this variant is uncertain due to the absence of conclusive functional and genetic evidence.